The following is an entry in ClinVar:

NM_001330700.2(TOP2B):c.4838C>A (p.Ser1613Tyr)

Gene: TOP2B (DNA topoisomerase II beta; minus strand). Cytogenetic location: 3p24.2.
Variant type: single nucleotide variant.
Coding change: c.4838C>A on transcript NM_001330700.2 (MANE Select); coding-DNA position 4838, C replaced by A.
Protein change: p.Ser1613Tyr; replaces serine 1613 with tyrosine.
Molecular consequence: missense variant.
Genome position (GRCh38, 1-based): chr3:25,598,350, G>T on the plus strand (C>A on the coding strand, the complement: TOP2B is on the minus strand). VCF-style: chr3-25598350-G-T. GRCh37 (hg19) VCF-style: chr3-25639841-G-T.
Other names: c.4823C>A, p.Ser1608Tyr (NM_001068.3); short protein forms S1608Y, S1613Y.
Identifiers: ClinVar variation 2705793 (VCV002705793.3), dbSNP rs1701983119, ClinGen allele CA351889938.

ClinVar aggregate classification (germline): Uncertain significance (1 of 4 stars; one submission).

Allele frequency attached by ClinVar (database versions not stated): gnomAD 0.00001.

Submission:

Labcorp Genetics (formerly Invitae), Labcorp
Classification: Uncertain significance. Last evaluated: 2023-12-27. Review status: criteria provided, single submitter. Criteria: Invitae Variant Classification Sherloc (09022015). Collection method: clinical testing. Allele origin: germline.
Comment: This sequence change replaces serine, which is neutral and polar, with tyrosine, which is neutral and polar, at codon 1608 of the TOP2B protein (p.Ser1608Tyr). This variant is not present in population databases (gnomAD no frequency). This variant has not been reported in the literature in individuals affected with TOP2B-related conditions. An algorithm developed to predict the effect of missense changes on protein structure and function (PolyPhen-2) suggests that this variant is likely to be disruptive. In summary, the available evidence is currently insufficient to determine the role of this variant in disease. Therefore, it has been classified as a Variant of Uncertain Significance.